The following is an entry in ClinVar:

ClinVar aggregate classification (germline): Pathogenic/Likely pathogenic. Review status: criteria provided, multiple submitters, no conflicts (2 of 4 stars). 2 submissions from 2 submitters: Pathogenic (1); Likely pathogenic (1). Last evaluated 2022-12-05.

Conditions:
Epidermolysis bullosa, junctional 3A, intermediate. Also called: EPIDERMOLYSIS BULLOSA, JUNCTIONAL 3A, GENERALIZED INTERMEDIATE; EPIDERMOLYSIS BULLOSA, JUNCTIONAL 3A, NON-HERLITZ TYPE. Identifiers: MedGen C5676938, MONDO:0030748, OMIM 619785.
Epidermolysis bullosa, junctional 3B, severe. Also called: EPIDERMOLYSIS BULLOSA, JUNCTIONAL 3B, GENERALIZED SEVERE; EPIDERMOLYSIS BULLOSA, JUNCTIONAL 3B, HERLITZ TYPE. Identifiers: MedGen C5676939, MONDO:0030749, OMIM 619786.

Allele frequency attached by ClinVar (database versions not stated): gnomAD exomes below 0.00001; TOPMed below 0.00001.
gnomAD v4.1: 2 of 1,614,104 alleles (0.00012%); highest among the groups gnomAD compares: Non-Finnish European, 0.00017%; no homozygotes.

Submissions (2):

Labcorp Genetics (formerly Invitae), Labcorp
Classification: Pathogenic. Last evaluated: 2022-12-05. Review status: criteria provided, single submitter. Criteria: Invitae Variant Classification Sherloc (09022015). Collection method: clinical testing. Allele origin: germline.
Comment: This variant has not been reported in the literature in individuals affected with LAMC2-related conditions. For these reasons, this variant has been classified as Pathogenic. This variant is not present in population databases (gnomAD no frequency). This sequence change creates a premature translational stop signal (p.Arg586*) in the LAMC2 gene. It is expected to result in an absent or disrupted protein product. Loss-of-function variants in LAMC2 are known to be pathogenic (PMID: 11907499, 16473856).

Juno Genomics, Hangzhou Juno Genomics, Inc
Classification: Likely pathogenic for Epidermolysis bullosa, junctional 3A, intermediate; Epidermolysis bullosa, junctional 3B, severe. Review status: criteria provided, single submitter. Criteria: ACMG Guidelines, 2015. Collection method: clinical testing. Allele origin: germline.
Comment: Null variant in a gene where loss of function (LOF) is a known mechanism of disease.;Absent from controls (or at extremely low frequency if recessive) in Genome Aggregation Database.

Literature cited by the submitters: PubMed 11907499 (cited by Labcorp Genetics (formerly Invitae), Labcorp); PubMed 16473856 (cited by Labcorp Genetics (formerly Invitae), Labcorp).

NM_005562.3(LAMC2):c.1756C>T (p.Arg586Ter)

Gene: LAMC2 (laminin subunit gamma 2; plus strand). Cytogenetic location: 1q25.3.
Variant type: single nucleotide variant.
Coding change: c.1756C>T on transcript NM_005562.3 (MANE Select); coding-DNA position 1756, C replaced by T.
Protein change: p.Arg586Ter; replaces arginine 586 with a stop codon.
Molecular consequence: nonsense.
Genome position (GRCh38, 1-based): chr1:183,231,002, C>T. VCF-style: chr1-183231002-C-T. GRCh37 (hg19) VCF-style: chr1-183200137-C-T.
Other names: c.1756C>T, p.Arg586Ter (NM_018891.3); short protein forms R586*.
Identifiers: ClinVar variation 2911249 (VCV002911249.5), dbSNP rs1659782625, ClinGen allele CA343690802.
Genomic context (GRCh38, chr1:183,231,002, plus strand): 5'-ATTTGTCTTTTGTCTCTAGCTTGCAACTGTAACCCCATGGGCTCAGAGCCTGTAGGATGT[C>T]GAAGTGATGGCACCTGTGTTTGCAAGCCAGGATTTGGTGGCCCCAACTGTGAGCATGGAG-3'